The following is an entry in ClinVar:

NM_181458.4(PAX3):c.178G>T (p.Val60Leu)

Gene: PAX3 (paired box 3; minus strand). Cytogenetic location: 2q36.1.
Variant type: single nucleotide variant.
Coding change: c.178G>T on transcript NM_181458.4 (MANE Select); coding-DNA position 178, G replaced by T.
Protein change: p.Val60Leu; replaces valine 60 with leucine.
Molecular consequence: missense variant.
Genome position (GRCh38, 1-based): chr2:222,297,121, C>A on the plus strand (G>T on the coding strand, the complement: PAX3 is on the minus strand). VCF-style: chr2-222297121-C-A. GRCh37 (hg19) VCF-style: chr2-223161840-C-A.
Other names: c.178G>T, p.Val60Leu (NM_181460.4, NM_181461.4, NM_000438.6 and 4 more transcripts); short protein forms V60L.
Identifiers: ClinVar variation 3764710 (VCV003764710.2).

ClinVar aggregate classification (germline): Likely pathogenic (1 of 4 stars; one submission).

Conditions:
Alveolar rhabdomyosarcoma (RMS2). Also called: RHABDOMYOSARCOMA 2; Alveolar rhabdomyosarcoma (disease). Identifiers: Orphanet 780, Orphanet 99756, MedGen C0206655, MONDO:0009994, OMIM 268220, HP:0006779.
Waardenburg syndrome type 1 (WS1). Also called: WAARDENBURG SYNDROME WITH DYSTOPIA CANTHORUM; Waardenburg Syndrome Type I. Identifiers: Orphanet 894, MedGen C1847800, MONDO:0008670, OMIM 193500.
Waardenburg syndrome type 3 (WS3). Also called: KLEIN-WAARDENBURG SYNDROME; WAARDENBURG SYNDROME WITH UPPER LIMB ANOMALIES; Klein-Waardenberg's syndrome. Identifiers: Orphanet 3440, Orphanet 896, MedGen C0079661, MONDO:0007862, OMIM 148820.
Craniofacial-deafness-hand syndrome (CDHS). Identifiers: Orphanet 1529, MedGen C1852510, MONDO:0007395, OMIM 122880.

Submission:

Juno Genomics, Hangzhou Juno Genomics, Inc
Classification: Likely pathogenic for Craniofacial-deafness-hand syndrome; Alveolar rhabdomyosarcoma; Waardenburg syndrome type 1; Waardenburg syndrome type 3. Review status: criteria provided, single submitter. Criteria: ACMG Guidelines, 2015. Collection method: clinical testing. Allele origin: germline. Affected: yes.
Comment: Absent from controls (or at extremely low frequency if recessive) in Genome Aggregation Database, Exome Sequencing Project, 1000 Genomes Project, or Exome Aggregation Consortium.;Multiple lines of computational evidence support a deleterious effect on the gene or gene product (conservation, evolutionary, splicing impact, etc).;Located in a mutational hot spot and/or critical and well-established functional domain (e.g. active site of an enzyme) without benign variation.;Assumed de novo, but without confirmation of paternity and maternity.